The following is an entry in ClinVar:

NM_000264.5(PTCH1):c.2887+4A>G

Gene: PTCH1 (patched 1; minus strand). Cytogenetic location: 9q22.32.
Variant type: single nucleotide variant.
Coding change: c.2887+4A>G on transcript NM_000264.5 (MANE Select); 4 bases into the intron after coding-DNA position 2887, A replaced by G.
Molecular consequence: intron variant.
Genome position (GRCh38, 1-based): chr9:95,459,596, T>C on the plus strand (A>G on the coding strand, the complement: PTCH1 is on the minus strand). VCF-style: chr9-95459596-T-C. GRCh37 (hg19) VCF-style: chr9-98221878-T-C.
Other names: c.2884+4A>G (NM_001083603.3); c.2689+4A>G (NM_001083602.3); c.2731+4A>G (NM_001354918.2); c.2434+4A>G (NM_001083605.3, NM_001083604.3, NM_001083606.3 and 1 more transcripts).
Identifiers: ClinVar variation 648590 (VCV000648590.9), dbSNP rs1588544193, ClinGen allele CA915947094.

ClinVar aggregate classification (germline): Uncertain significance. Review status: criteria provided, multiple submitters, no conflicts (2 of 4 stars). 2 submissions from 2 submitters: Uncertain significance (2). Last evaluated 2023-07-13.

Conditions:
Hereditary cancer-predisposing syndrome. Also called: Hereditary Cancer Syndrome; Tumor predisposition; Neoplastic Syndromes, Hereditary; Hereditary neoplastic syndrome. Identifiers: Orphanet 140162, MedGen C0027672, MeSH D009386, MONDO:0015356.
Gorlin syndrome. Also called: Basal cell nevus syndrome; Nevoid Basal Cell Carcinoma Syndrome. Identifiers: Orphanet 377, MedGen C0004779, MONDO:0007187.

Submissions (2):

Ambry Genetics
Classification: Uncertain significance for Hereditary cancer-predisposing syndrome. Last evaluated: 2023-07-13. Review status: criteria provided, single submitter. Criteria: Ambry Variant Classification Scheme 2023. Collection method: clinical testing. Allele origin: germline.
Comment: The c.2887+4A>G intronic variant results from an A to G substitution 4 nucleotides after coding exon 17 in the PTCH1 gene. This nucleotide position is well conserved in available vertebrate species. In silico splice site analysis predicts that this alteration may result in the creation or strengthening of a novel splice donor site; however, direct evidence is insufficient at this time (Ambry internal data). Since supporting evidence is limited at this time, the clinical significance of this alteration remains unclear.

Labcorp Genetics (formerly Invitae), Labcorp
Classification: Uncertain significance for Gorlin syndrome. Last evaluated: 2018-12-19. Review status: criteria provided, single submitter. Criteria: Invitae Variant Classification Sherloc (09022015). Collection method: clinical testing. Allele origin: germline.
Comment: In summary, the available evidence is currently insufficient to determine the role of this variant in disease. Therefore, it has been classified as a Variant of Uncertain Significance. Nucleotide substitutions within the consensus splice site are a relatively common cause of aberrant splicing (PMID: 17576681, 9536098). Algorithms developed to predict the effect of sequence changes on RNA splicing suggest that this variant may disrupt the consensus splice site, but this prediction has not been confirmed by published transcriptional studies. This variant has not been reported in the literature in individuals with PTCH1-related disease. This variant is not present in population databases (ExAC no frequency). This sequence change falls in intron 17 of the PTCH1 gene. It does not directly change the encoded amino acid sequence of the PTCH1 protein, but it affects a nucleotide within the consensus splice site of the intron.

Literature cited by the submitters: PubMed 17576681 (cited by Labcorp Genetics (formerly Invitae), Labcorp); PubMed 9536098 (cited by Labcorp Genetics (formerly Invitae), Labcorp).